The following is an entry in ClinVar:

ClinVar aggregate classification (germline): Uncertain significance (1 of 4 stars; one submission).

gnomAD v4.1: 3 of 1,614,192 alleles (0.00019%); highest among the groups gnomAD compares: Non-Finnish European, 0.00017%; no homozygotes.

Submission:

Labcorp Genetics (formerly Invitae), Labcorp
Classification: Uncertain significance. Last evaluated: 2022-02-06. Review status: criteria provided, single submitter. Criteria: Invitae Variant Classification Sherloc (09022015). Collection method: clinical testing. Allele origin: germline.
Comment: This variant has not been reported in the literature in individuals affected with SLC25A3-related conditions. This sequence change replaces aspartic acid, which is acidic and polar, with asparagine, which is neutral and polar, at codon 87 of the SLC25A3 protein (p.Asp87Asn). This variant is not present in population databases (gnomAD no frequency). Algorithms developed to predict the effect of missense changes on protein structure and function are either unavailable or do not agree on the potential impact of this missense change (SIFT: "Deleterious"; PolyPhen-2: "Probably Damaging"; Align-GVGD: "Class C15"). In summary, the available evidence is currently insufficient to determine the role of this variant in disease. Therefore, it has been classified as a Variant of Uncertain Significance.

NM_005888.4(SLC25A3):c.259G>A (p.Asp87Asn)

Genes: SLC25A3 (solute carrier family 25 member 3; plus strand), LOC130008523 (ATAC-STARR-seq lymphoblastoid active region 6847; plus strand). Cytogenetic location: 12q23.1.
Variant type: single nucleotide variant.
Coding change: c.259G>A on transcript NM_005888.4 (MANE Plus Clinical); coding-DNA position 259, G replaced by A.
Protein change: p.Asp87Asn; replaces aspartic acid 87 with asparagine.
Molecular consequence: missense variant. On other transcripts: intron variant (2).
Genome position (GRCh38, 1-based): chr12:98,595,534, G>A. VCF-style: chr12-98595534-G-A. GRCh37 (hg19) VCF-style: chr12-98989312-G-A.
Other names: c.158-193G>A (NM_213611.3, NM_002635.4); short protein forms D87N.
Identifiers: ClinVar variation 2085785 (VCV002085785.4), dbSNP rs2097592256, ClinGen allele CA386163923.